The following is an entry in ClinVar:

ClinVar aggregate classification (germline): Uncertain significance. Review status: criteria provided, multiple submitters, no conflicts (2 of 4 stars). 2 submissions from 2 submitters: Uncertain significance (2). Last evaluated 2024-06-17.

Conditions:
Thrombomodulin-related bleeding disorder (THPH12). Also called: Thrombophilia due to thrombomodulin defect. Identifiers: Orphanet 436169, MedGen C3280976, MONDO:0013775, OMIM 614486.
Atypical hemolytic-uremic syndrome with thrombomodulin anomaly. Also called: HEMOLYTIC UREMIC SYNDROME, ATYPICAL, SUSCEPTIBILITY TO, 6; AHUS, SUSCEPTIBILITY TO, 6. Identifiers: MedGen C2752036, MONDO:0013044, OMIM 612926. Disease mechanism: gain of function.

Allele frequency attached by ClinVar (database versions not stated): gnomAD exomes below 0.00001.

Submissions (2):

Fulgent Genetics
Classification: Uncertain significance for Atypical hemolytic-uremic syndrome with thrombomodulin anomaly; Thrombomodulin-related bleeding disorder. Last evaluated: 2024-06-17. Review status: criteria provided, single submitter. Criteria: ACMG Guidelines, 2015. Collection method: clinical testing. Allele origin: germline.

Labcorp Genetics (formerly Invitae), Labcorp
Classification: Uncertain significance. Last evaluated: 2023-01-20. Review status: criteria provided, single submitter. Criteria: Invitae Variant Classification Sherloc (09022015). Collection method: clinical testing. Allele origin: germline.
Comment: In summary, the available evidence is currently insufficient to determine the role of this variant in disease. Therefore, it has been classified as a Variant of Uncertain Significance. Advanced modeling of protein sequence and biophysical properties (such as structural, functional, and spatial information, amino acid conservation, physicochemical variation, residue mobility, and thermodynamic stability) performed at Invitae indicates that this missense variant is expected to disrupt THBD protein function. This variant has not been reported in the literature in individuals affected with THBD-related conditions. This variant is not present in population databases (gnomAD no frequency). This sequence change replaces valine, which is neutral and non-polar, with methionine, which is neutral and non-polar, at codon 530 of the THBD protein (p.Val530Met).

NM_000361.3(THBD):c.1588G>A (p.Val530Met)

Gene: THBD (thrombomodulin; minus strand). Cytogenetic location: 20p11.21.
Variant type: single nucleotide variant.
Coding change: c.1588G>A on transcript NM_000361.3 (MANE Select); coding-DNA position 1588, G replaced by A.
Protein change: p.Val530Met; replaces valine 530 with methionine.
Molecular consequence: missense variant.
Genome position (GRCh38, 1-based): chr20:23,047,917, C>T on the plus strand (G>A on the coding strand, the complement: THBD is on the minus strand). VCF-style: chr20-23047917-C-T. GRCh37 (hg19) VCF-style: chr20-23028554-C-T.
Other names: short protein forms V530M.
Identifiers: ClinVar variation 2830512 (VCV002830512.4), dbSNP rs2515202454, ClinGen allele CA408405225.